The following is an entry in ClinVar:

ClinVar aggregate classification (germline): Uncertain significance. Review status: criteria provided, multiple submitters, no conflicts (2 of 4 stars). 2 submissions from 2 submitters: Uncertain significance (2). Last evaluated 2025-08-30.

Conditions:
Norman-Roberts syndrome (LIS2). Also called: Lissencephaly 2 (Norman-Roberts type). Identifiers: Orphanet 89844, MedGen C0796089, MONDO:0009760, OMIM 257320.
Familial temporal lobe epilepsy 7. Identifiers: Orphanet 101046, MedGen C4225327, MONDO:0014639, OMIM 616436.

Allele frequency attached by ClinVar (database versions not stated): gnomAD exomes below 0.00001; TOPMed below 0.00001.
gnomAD v4.1: 2 of 1,613,826 alleles (0.00012%); highest among the groups gnomAD compares: Admixed American, 0.0017%; no homozygotes.

Submissions (2):

Labcorp Genetics (formerly Invitae), Labcorp
Classification: Uncertain significance for Familial temporal lobe epilepsy 7; Norman-Roberts syndrome. Last evaluated: 2025-08-30. Review status: criteria provided, single submitter. Criteria: Invitae Variant Classification Sherloc (09022015). Collection method: clinical testing. Allele origin: germline.
Comment: This sequence change replaces asparagine, which is neutral and polar, with threonine, which is neutral and polar, at codon 332 of the RELN protein (p.Asn332Thr). This variant is present in population databases (no rsID available, gnomAD 0.003%). This variant has not been reported in the literature in individuals affected with RELN-related conditions. ClinVar contains an entry for this variant (Variation ID: 1677418). Invitae Evidence Modeling of protein sequence and biophysical properties (such as structural, functional, and spatial information, amino acid conservation, physicochemical variation, residue mobility, and thermodynamic stability) indicates that this missense variant is not expected to disrupt RELN protein function with a negative predictive value of 80%. In summary, the available evidence is currently insufficient to determine the role of this variant in disease. Therefore, it has been classified as a Variant of Uncertain Significance.

AiLife Diagnostics
Classification: Uncertain significance. Last evaluated: 2021-08-07. Review status: criteria provided, single submitter. Criteria: ACMG Guidelines, 2015. Collection method: clinical testing. Allele origin: germline. Affected: yes. Observed: 1 variant allele.

NM_005045.4(RELN):c.995A>C (p.Asn332Thr)

Gene: RELN (reelin; minus strand). Cytogenetic location: 7q22.1.
Variant type: single nucleotide variant.
Coding change: c.995A>C on transcript NM_005045.4 (MANE Select); coding-DNA position 995, A replaced by C.
Protein change: p.Asn332Thr; replaces asparagine 332 with threonine.
Molecular consequence: missense variant.
Genome position (GRCh38, 1-based): chr7:103,698,001, T>G on the plus strand (A>C on the coding strand, the complement: RELN is on the minus strand). VCF-style: chr7-103698001-T-G. GRCh37 (hg19) VCF-style: chr7-103338448-T-G.
Other names: c.995A>C, p.Asn332Thr (NM_173054.3); short protein forms N332T.
Identifiers: ClinVar variation 1677418 (VCV001677418.2), dbSNP rs964674328, ClinGen allele CA163868190.